The following is an entry in ClinVar:

ClinVar aggregate classification (germline): Likely pathogenic (1 of 4 stars; one submission).

Allele frequency attached by ClinVar (database versions not stated): TOPMed below 0.00001.

Submission:

Labcorp Genetics (formerly Invitae), Labcorp
Classification: Likely pathogenic. Last evaluated: 2023-09-05. Review status: criteria provided, single submitter. Criteria: Invitae Variant Classification Sherloc (09022015). Collection method: clinical testing. Allele origin: germline.
Comment: Algorithms developed to predict the effect of sequence changes on RNA splicing suggest that this variant may disrupt the consensus splice site. In summary, the currently available evidence indicates that the variant is pathogenic, but additional data are needed to prove that conclusively. Therefore, this variant has been classified as Likely Pathogenic. This variant has not been reported in the literature in individuals affected with ADGRG1-related conditions. This variant is not present in population databases (gnomAD no frequency). This sequence change affects an acceptor splice site in intron 9 of the ADGRG1 gene. It is expected to disrupt RNA splicing. Variants that disrupt the donor or acceptor splice site typically lead to a loss of protein function (PMID: 16199547), and loss-of-function variants in ADGRG1 are known to be pathogenic (PMID: 15044805, 20929962).

Literature cited by the submitters: PubMed 16199547; PubMed 15044805; PubMed 20929962.

NM_201525.4(ADGRG1):c.1064-2A>G

Gene: ADGRG1 (adhesion G protein-coupled receptor G1; plus strand). Cytogenetic location: 16q21.
Variant type: single nucleotide variant.
Coding change: c.1064-2A>G on transcript NM_201525.4 (MANE Select); the canonical splice acceptor site of the intron before coding-DNA position 1064, A replaced by G.
Molecular consequence: splice acceptor variant.
Genome position (GRCh38, 1-based): chr16:57,656,512, A>G. VCF-style: chr16-57656512-A-G. GRCh37 (hg19) VCF-style: chr16-57690424-A-G.
Other names: c.1064-2A>G (NM_001370431.1, NM_001370437.1, NM_005682.7 and 14 more transcripts); c.539-2A>G (NM_001370453.1, NM_001370454.1, NM_001290144.2 and 2 more transcripts); c.1061-2A>G (NM_001370434.1, NM_001370441.1); c.908-2A>G (NM_001370442.1); c.1079-2A>G (NM_001370433.1, NM_001145773.3); c.554-2A>G (NM_001290142.2).
Identifiers: ClinVar variation 2785910 (VCV002785910.3), dbSNP rs2045777607, ClinGen allele CA396048641.